The following is an entry in ClinVar:

ClinVar aggregate classification (germline): Uncertain significance (1 of 4 stars; one submission).

Conditions:
WDFY3-related disorder.

Submission:

PreventionGenetics, part of Exact Sciences
Classification: Uncertain significance for WDFY3-related condition. Last evaluated: 2024-10-13. Review status: criteria provided, single submitter. Criteria: ACMG Guidelines, 2015. Collection method: clinical testing. Allele origin: germline.
Comment: The WDFY3 c.7615A>C variant is predicted to result in the amino acid substitution p.Met2539Leu. To our knowledge, this variant has not been reported in the literature or in a large population database (gnomAD), indicating this variant is rare. At this time, the clinical significance of this variant is uncertain due to the absence of conclusive functional and genetic evidence.

NM_014991.6(WDFY3):c.7615A>C (p.Met2539Leu)

Gene: WDFY3 (WD repeat and FYVE domain containing 3; minus strand). Cytogenetic location: 4q21.23.
Variant type: single nucleotide variant.
Coding change: c.7615A>C on transcript NM_014991.6 (MANE Select); coding-DNA position 7615, A replaced by C.
Protein change: p.Met2539Leu; replaces methionine 2539 with leucine.
Molecular consequence: missense variant.
Genome position (GRCh38, 1-based): chr4:84,718,561, T>G on the plus strand (A>C on the coding strand, the complement: WDFY3 is on the minus strand). VCF-style: chr4-84718561-T-G. GRCh37 (hg19) VCF-style: chr4-85639714-T-G.
Other names: short protein forms M2539L.
Identifiers: ClinVar variation 5002303 (VCV005002303.1).
Genomic context (GRCh38, chr4:84,718,561, plus strand): 5'-TACCAAAAAGAAGGAGCCCCTCACTGGTATCTAGGCCCTGGACTCGAGCACAGCGGTACA[T>G]GTGTTGGATCTATAAAGAAGCCCACAAACATTCATTAATATAGGCTTTTTGTAAAGATCA-3'
Protein context (NP_055806.2, residues 2529-2549): LLEEGEKIQH[Met2539Leu]YRCARVQGLD